The following is an entry in ClinVar:

Conditions:
Breast-ovarian cancer, familial, susceptibility to, 1 (BROVCA1). Also called: BRCA1 Hereditary Breast and Ovarian Cancer; OVARIAN CANCER, SUSCEPTIBILITY TO. Identifiers: Orphanet 145, MedGen C2676676, MONDO:0011450, OMIM 604370. Disease mechanism: loss of function.

Submission:

Brotman Baty Institute, University of Washington
No classification provided (evidence only). Condition: Breast-ovarian cancer, familial 1. Review status: no classification provided. Collection method: in vitro. Allele origin: not applicable. Functional consequence: functionally_abnormal.
ClinVar note: "not provided" was previously submitted as the classification for the variant. However, the classification appeared to be based only on an observation of functional data so it was converted to no classification on 2025-07-30.

NM_007294.4(BRCA1):c.5200T>G (p.Phe1734Val)

Gene: BRCA1 (BRCA1 DNA repair associated; minus strand). Cytogenetic location: 17q21.31.
Variant type: single nucleotide variant.
Coding change: c.5200T>G on transcript NM_007294.4 (MANE Select); coding-DNA position 5200, T replaced by G.
Protein change: p.Phe1734Val; replaces phenylalanine 1734 with valine.
Molecular consequence: missense variant. On other transcripts: non-coding transcript variant (1).
Genome position (GRCh38, 1-based): chr17:43,057,129, A>C on the plus strand (T>G on the coding strand, the complement: BRCA1 is on the minus strand). VCF-style: chr17-43057129-A-C. GRCh37 (hg19) VCF-style: chr17-41209146-A-C.
Other names: c.4987T>G, p.Phe1663Val (NM_001407571.1, NM_001407900.1, NM_001407902.1 and 12 more transcripts); c.5266T>G, p.Phe1756Val (NM_001407581.1, NM_001407582.1); c.5263T>G, p.Phe1755Val (NM_001407583.1, NM_001407585.1, NM_001407587.1 and 1 more transcripts); c.5197T>G, p.Phe1733Val (NM_001407610.1, NM_001407611.1, NM_001407612.1 and 17 more transcripts); c.5194T>G, p.Phe1732Val (NM_001407629.1, NM_001407630.1, NM_001407631.1 and 14 more transcripts); c.5140T>G, p.Phe1714Val (NM_001407649.1); c.5122T>G, p.Phe1708Val (NM_001407652.1, NM_001407653.1, NM_001407654.1 and 1 more transcripts); c.5119T>G, p.Phe1707Val (NM_001407656.1, NM_001407657.1, NM_001407658.1); and 72 more; short protein forms F1734V, F1755V, F630V, F1687V, F1623V, F1644V, F1645V, F1663V.
Identifiers: ClinVar variation 868175 (VCV000868175.3), dbSNP rs80356957, ClinGen allele CA10591134.